The following is an entry in ClinVar:

NM_000092.5(COL4A4):c.3848G>T (p.Ser1283Ile)

Gene: COL4A4 (collagen type IV alpha 4 chain; minus strand). Cytogenetic location: 2q36.3.
Variant type: single nucleotide variant.
Coding change: c.3848G>T on transcript NM_000092.5 (MANE Select); coding-DNA position 3848, G replaced by T.
Protein change: p.Ser1283Ile; replaces serine 1283 with isoleucine.
Molecular consequence: missense variant.
Genome position (GRCh38, 1-based): chr2:227,030,568, C>A on the plus strand (G>T on the coding strand, the complement: COL4A4 is on the minus strand). VCF-style: chr2-227030568-C-A. GRCh37 (hg19) VCF-style: chr2-227895284-C-A.
Other names: short protein forms S1283I.
Identifiers: ClinVar variation 2908379 (VCV002908379.3), dbSNP rs1395689063, ClinGen allele CA350837421.

ClinVar aggregate classification (germline): Uncertain significance (1 of 4 stars; one submission).

Submission:

Labcorp Genetics (formerly Invitae), Labcorp
Classification: Uncertain significance. Last evaluated: 2024-01-19. Review status: criteria provided, single submitter. Criteria: Invitae Variant Classification Sherloc (09022015). Collection method: clinical testing. Allele origin: germline.
Comment: This sequence change replaces serine, which is neutral and polar, with isoleucine, which is neutral and non-polar, at codon 1283 of the COL4A4 protein (p.Ser1283Ile). This variant is not present in population databases (gnomAD no frequency). This variant has not been reported in the literature in individuals affected with COL4A4-related conditions. Advanced modeling of protein sequence and biophysical properties (such as structural, functional, and spatial information, amino acid conservation, physicochemical variation, residue mobility, and thermodynamic stability) performed at Invitae indicates that this missense variant is not expected to disrupt COL4A4 protein function with a negative predictive value of 95%. In summary, the available evidence is currently insufficient to determine the role of this variant in disease. Therefore, it has been classified as a Variant of Uncertain Significance.